The following is an entry in ClinVar:

ClinVar aggregate classification (germline): Uncertain significance. Review status: criteria provided, multiple submitters, no conflicts (2 of 4 stars). 3 submissions from 3 submitters: Uncertain significance (3). Last evaluated 2026-02-22.

Conditions:
Loeys-Dietz syndrome 2 (LDS2). Also called: TGFBR2-Related Loeys-Dietz Syndrome; AORTIC ANEURYSM, FAMILIAL THORACIC 3; MARFAN SYNDROME, TYPE II; Marfan syndrome, type 2 (formerly); Marfan Syndrome type 2; Marfan like connective tissue disorder. Identifiers: Orphanet 284973, Orphanet 558, MedGen C2674574, MONDO:0012427, OMIM 610168.
Familial thoracic aortic aneurysm and aortic dissection (TAAD). Also called: Thoracic aortic aneurysms and dissections. Identifiers: Orphanet 91387, MedGen C4707243, MONDO:0019625.

gnomAD v4.1: 1 of 1,560,118 alleles (0.000064%); highest among the groups gnomAD compares: South Asian, 0.0012%; no homozygotes.

Submissions (3):

Clinical Genomics Laboratory, Washington University in St. Louis
Classification: Uncertain significance for Loeys-Dietz syndrome 2. Last evaluated: 2026-02-22. Review status: criteria provided, single submitter. Criteria: ACMG Guidelines, 2015. Collection method: clinical testing. Allele origin: germline.
Comment: The TGFBR2 c.4G>A (p.Gly2Ser) variant, to our knowledge, has not been reported in the medical literature. This variant has been reported in the ClinVar database as a germline variant of uncertain significance by two submitters. This variant is absent from the general population (gnomAD v2.1.1), indicating it is not a common variant. Computational predictors are uncertain as to the impact of this variant on TGFBR2 function. Due to limited information, and based on ACMG/AMP guidelines for variant interpretation (Richards S et al., PMID: 25741868), the clinical significance of this variant is uncertain at this time.

Labcorp Genetics (formerly Invitae), Labcorp
Classification: Uncertain significance for Familial thoracic aortic aneurysm and aortic dissection. Last evaluated: 2025-10-14. Review status: criteria provided, single submitter. Criteria: Invitae Variant Classification Sherloc (09022015). Collection method: clinical testing. Allele origin: germline.
Comment: This sequence change replaces glycine, which is neutral and non-polar, with serine, which is neutral and polar, at codon 2 of the TGFBR2 protein (p.Gly2Ser). This variant is not present in population databases (gnomAD no frequency). This variant has not been reported in the literature in individuals affected with TGFBR2-related conditions. ClinVar contains an entry for this variant (Variation ID: 2013002). Invitae Evidence Modeling of protein sequence and biophysical properties (such as structural, functional, and spatial information, amino acid conservation, physicochemical variation, residue mobility, and thermodynamic stability) indicates that this missense variant is not expected to disrupt TGFBR2 protein function with a negative predictive value of 95%. In summary, the available evidence is currently insufficient to determine the role of this variant in disease. Therefore, it has been classified as a Variant of Uncertain Significance.

All of Us Research Program, National Institutes of Health
Classification: Uncertain significance for Loeys-Dietz syndrome 2. Last evaluated: 2024-01-08. Review status: criteria provided, single submitter. Criteria: ACMG Guidelines, 2015. Collection method: clinical testing. Allele origin: germline. Inheritance: Autosomal dominant inheritance. Observed: 1 variant allele, 1 heterozygote.
Comment: This missense variant replaces glycine with serine at codon 2 of the TGFBR2 protein. Computational prediction suggests that this variant may not impact protein structure and function (internally defined REVEL score threshold <= 0.5, PMID: 27666373). To our knowledge, functional studies have not been reported for this variant. This variant has not been reported in individuals affected with TGFBR2-related disorders in the literature. This variant has not been identified in the general population by the Genome Aggregation Database (gnomAD). The available evidence is insufficient to determine the role of this variant in disease conclusively. Therefore, this variant is classified as a Variant of Uncertain Significance.

This study involves interpretation of variants in research participants for the purpose of population health screening. Participant phenotype was not available at the time of variant classification. Additional details can be found in publication PMID: 35346344, PMCID: PMC8962531

NM_003242.6(TGFBR2):c.4G>A (p.Gly2Ser)

Gene: TGFBR2 (transforming growth factor beta receptor 2; plus strand). Cytogenetic location: 3p24.1.
Variant type: single nucleotide variant.
Coding change: c.4G>A on transcript NM_003242.6 (MANE Select); coding-DNA position 4, G replaced by A.
Protein change: p.Gly2Ser; replaces glycine 2 with serine.
Molecular consequence: missense variant.
Genome position (GRCh38, 1-based): chr3:30,606,887, G>A. VCF-style: chr3-30606887-G-A. GRCh37 (hg19) VCF-style: chr3-30648379-G-A.
Other names: c.4G>A, p.Gly2Ser (NM_001024847.3, NM_001407126.1, NM_001407127.1 and 4 more transcripts); c.-280G>A (NM_001407133.1); c.-158G>A (NM_001407134.1); c.-205G>A (NM_001407135.1); c.-290G>A (NM_001407136.1); short protein forms G2S.
Identifiers: ClinVar variation 2013002 (VCV002013002.6), dbSNP rs565502802, ClinGen allele CA351830462.
Genomic context (GRCh38, chr3:30,606,887, plus strand): 5'-GGAAGGCGCCGTCCGCTGCGCTGGGGGCTCGGTCTATGACGAGCAGCGGGGTCTGCCATG[G>A]GTCGGGGGCTGCTCAGGGGCCTGTGGCCGCTGCACATCGTCCTGTGGACGCGTATCGCCA-3'
Protein context (NP_003233.4, residues 1-12): M[Gly2Ser]RGLLRGLWPL